The following is an entry in ClinVar:

NM_005732.4(RAD50):c.731_732del (p.Ser243_Tyr244insTer)

Gene: RAD50 (RAD50 double strand break repair protein; plus strand). Cytogenetic location: 5q31.1.
Variant type: Deletion.
Coding change: c.731_732del on transcript NM_005732.4 (MANE Select); coding-DNA positions 731 to 732, 2 bases deleted (AT; older notation c.731_732delAT).
Protein change: p.Ser243_Tyr244insTer.
Molecular consequence: nonsense.
Genome position (GRCh38, 1-based): chr5:132,580,041-132,580,042, AT deleted; deleting any 2 consecutive bases within chr5:132,580,040-132,580,042 gives the same sequence; the c. name uses the placement nearest the transcript's 3' end. VCF-style (leftmost placement, unchanged base first): chr5-132580039-CTA-C. GRCh37 (hg19) VCF-style: chr5-131915731-CTA-C.
Other names: c.731_732del (NM_005732.3).
Identifiers: ClinVar variation 826958 (VCV000826958.14), dbSNP rs1580987798, ClinGen allele CA915943539.

ClinVar aggregate classification (germline): Pathogenic/Likely pathogenic. Review status: criteria provided, multiple submitters, no conflicts (2 of 4 stars). 4 submissions from 4 submitters: Pathogenic (2); Likely pathogenic (2). Last evaluated 2024-08-22.

Conditions:
Hereditary cancer-predisposing syndrome. Also called: Neoplastic Syndromes, Hereditary; Tumor predisposition; Hereditary Cancer Syndrome; Hereditary neoplastic syndrome. Identifiers: Orphanet 140162, MedGen C0027672, MeSH D009386, MONDO:0015356.
Nijmegen breakage syndrome-like disorder (NBSLD). Also called: MICROCEPHALY AND SPONTANEOUS CHROMOSOME INSTABILITY WITHOUT IMMUNODEFICIENCY; NBS-LIKE DISORDER; RAD50 DEFICIENCY. Identifiers: Orphanet 240760, MedGen C2751318, MONDO:0013118, OMIM 613078.
RAD50-related disorder. Also called: RAD50-related condition.

Submissions (4):

Blueprint Genetics
Classification: Likely pathogenic for RAD50-related disorders. Last evaluated: 2024-08-22. Review status: criteria provided, single submitter. Criteria: ACMG Guidelines, 2015. Collection method: clinical testing. Allele origin: germline. Affected: yes. Observed: 1 variant allele.

Labcorp Genetics (formerly Invitae), Labcorp
Classification: Pathogenic for Hereditary cancer-predisposing syndrome. Last evaluated: 2022-06-01. Review status: criteria provided, single submitter. Criteria: Invitae Variant Classification Sherloc (09022015). Collection method: clinical testing. Allele origin: germline.
Comment: This variant has not been reported in the literature in individuals affected with RAD50-related conditions. This sequence change creates a premature translational stop signal (p.Tyr244*) in the RAD50 gene. It is expected to result in an absent or disrupted protein product. Loss-of-function variants in RAD50 are known to be pathogenic (PMID: 19409520). This variant is not present in population databases (gnomAD no frequency). ClinVar contains an entry for this variant (Variation ID: 826958). For these reasons, this variant has been classified as Pathogenic.

Baylor Genetics
Classification: Likely pathogenic for Nijmegen breakage syndrome-like disorder. Last evaluated: 2021-07-29. Review status: criteria provided, single submitter. Criteria: ACMG Guidelines, 2015. Collection method: clinical testing. Allele origin: unknown.

Ambry Genetics
Classification: Pathogenic for Hereditary cancer-predisposing syndrome. Last evaluated: 2018-12-27. Review status: criteria provided, single submitter. Criteria: Ambry Variant Classification Scheme 2023. Collection method: clinical testing. Allele origin: germline.
Comment: The c.731_732delAT pathogenic mutation (also known as p.Y244*), located in coding exon 5 of the RAD50 gene, results from a deletion of two nucleotides at nucleotide positions 731 to 732. This changes the amino acid from a tyrosine to a stop codon within coding exon 5. This alteration is expected to result in loss of function by premature protein truncation or nonsense-mediated mRNA decay. As such, this alteration is interpreted as a disease-causing mutation.

Literature cited by the submitters: PubMed 19409520 (cited by Labcorp Genetics (formerly Invitae), Labcorp).